The following is an entry in ClinVar:

ClinVar aggregate classification (germline): Likely benign. Review status: criteria provided, multiple submitters, no conflicts (2 of 4 stars). 2 submissions from 2 submitters: Likely benign (2). Last evaluated 2025-04-28.

Allele frequency attached by ClinVar (database versions not stated): gnomAD exomes 0.00012 and 0.00035; ExAC 0.00050; 1000 Genomes Project 30x 0.00078; gnomAD 0.00145 and 0.00132; TOPMed 0.00145; ESP Exome Variant Server 0.00066; 1000 Genomes Project 0.00080.

Submissions (2):

Labcorp Genetics (formerly Invitae), Labcorp
Classification: Likely benign. Last evaluated: 2025-04-28. Review status: criteria provided, single submitter. Criteria: Invitae Variant Classification Sherloc (09022015). Collection method: clinical testing. Allele origin: germline.

GeneDx
Classification: Likely benign. Last evaluated: 2018-05-17. Review status: criteria provided, single submitter. Criteria: GeneDx Variant Classification (06012015). Collection method: clinical testing. Allele origin: germline. Affected: yes.
Comment: This variant is considered likely benign or benign based on one or more of the following criteria: it is a conservative change, it occurs at a poorly conserved position in the protein, it is predicted to be benign by multiple in silico algorithms, and/or has population frequency not consistent with disease.

NM_001291088.2(WDR87):c.5111T>C (p.Leu1704Pro)

Gene: WDR87 (WD repeat domain 87; minus strand). Cytogenetic location: 19q13.13.
Variant type: single nucleotide variant.
Coding change: c.5111T>C on transcript NM_001291088.2 (MANE Select); coding-DNA position 5111, T replaced by C.
Protein change: p.Leu1704Pro; replaces leucine 1704 with proline.
Molecular consequence: missense variant.
Genome position (GRCh38, 1-based): chr19:37,888,560, A>G on the plus strand (T>C on the coding strand, the complement: WDR87 is on the minus strand). VCF-style: chr19-37888560-A-G. GRCh37 (hg19) VCF-style: chr19-38379200-A-G.
Other names: c.4994T>C, p.Leu1665Pro (NM_031951.5); short protein forms L1665P, L1704P.
Identifiers: ClinVar variation 668202 (VCV000668202.4), dbSNP rs368098236, ClinGen allele CA9408601.